The following is an entry in ClinVar:

NM_000478.6(ALPL):c.1235C>A (p.Ala412Asp)

Gene: ALPL (alkaline phosphatase, biomineralization associated; plus strand). Cytogenetic location: 1p36.12.
Variant type: single nucleotide variant.
Coding change: c.1235C>A on transcript NM_000478.6 (MANE Select); coding-DNA position 1235, C replaced by A.
Protein change: p.Ala412Asp; replaces alanine 412 with aspartic acid.
Molecular consequence: missense variant.
Genome position (GRCh38, 1-based): chr1:21,576,567, C>A. VCF-style: chr1-21576567-C-A. GRCh37 (hg19) VCF-style: chr1-21903060-C-A.
Other names: c.1070C>A, p.Ala357Asp (NM_001127501.4); c.1004C>A, p.Ala335Asp (NM_001177520.3); c.1235C>A, p.Ala412Asp (NM_001369803.2, NM_001369804.2, NM_001369805.2); short protein forms A335D, A357D, A412D.
Identifiers: ClinVar variation 4799874 (VCV004799874.1).

ClinVar aggregate classification (germline): Uncertain significance (1 of 4 stars; one submission).

Submission:

Labcorp Genetics (formerly Invitae), Labcorp
Classification: Uncertain significance. Last evaluated: 2025-12-27. Review status: criteria provided, single submitter. Criteria: Invitae Variant Classification Sherloc (09022015). Collection method: clinical testing. Allele origin: germline.
Comment: This sequence change replaces alanine, which is neutral and non-polar, with aspartic acid, which is acidic and polar, at codon 412 of the ALPL protein (p.Ala412Asp). This variant is not present in population databases (gnomAD no frequency). This variant has not been reported in the literature in individuals affected with ALPL-related conditions. Invitae Evidence Modeling of protein sequence and biophysical properties (such as structural, functional, and spatial information, amino acid conservation, physicochemical variation, residue mobility, and thermodynamic stability) indicates that this missense variant is expected to disrupt ALPL protein function with a positive predictive value of 95%. In summary, the available evidence is currently insufficient to determine the role of this variant in disease. Therefore, it has been classified as a Variant of Uncertain Significance.